The following is an entry in ClinVar:

ClinVar aggregate classification (germline): Uncertain significance. Review status: criteria provided, multiple submitters, no conflicts (2 of 4 stars). 2 submissions from 2 submitters: Uncertain significance (2). Last evaluated 2024-07-22.

Conditions:
Inborn genetic diseases. Identifiers: MedGen C0950123, MeSH D030342.

Allele frequency attached by ClinVar (database versions not stated): ExAC 0.00001; gnomAD 0.00001 and 0.00002; gnomAD exomes 0.00001 and 0.00002; TOPMed 0.00001.
gnomAD v4.1: 11 of 1,185,251 alleles (0.00093%); highest among the groups gnomAD compares: Admixed American, 0.0045%; no homozygotes.

Submissions (2):

Ambry Genetics
Classification: Uncertain significance for Inborn genetic diseases. Last evaluated: 2024-07-22. Review status: criteria provided, single submitter. Criteria: Ambry Variant Classification Scheme 2023. Collection method: clinical testing. Allele origin: germline.

GeneDx
Classification: Uncertain significance. Last evaluated: 2019-12-13. Review status: criteria provided, single submitter. Criteria: GeneDx Variant Classification Process June 2021. Collection method: clinical testing. Allele origin: germline. Affected: yes.
Comment: In silico analysis, which includes protein predictors and evolutionary conservation, supports that this variant does not alter protein structure/function; Has not been previously published as pathogenic or benign to our knowledge

NM_005334.3(HCFC1):c.1396A>G (p.Thr466Ala)

Gene: HCFC1 (host cell factor C1; minus strand). Cytogenetic location: Xq28.
Variant type: single nucleotide variant.
Coding change: c.1396A>G on transcript NM_005334.3 (MANE Select); coding-DNA position 1396, A replaced by G.
Protein change: p.Thr466Ala; replaces threonine 466 with alanine.
Molecular consequence: missense variant.
Genome position (GRCh38, 1-based): chrX:153,959,850, T>C on the plus strand (A>G on the coding strand, the complement: HCFC1 is on the minus strand). VCF-style: chrX-153959850-T-C. GRCh37 (hg19) VCF-style: chrX-153225301-T-C.
Other names: short protein forms T466A.
Identifiers: ClinVar variation 1192955 (VCV001192955.3), dbSNP rs782036937, ClinGen allele CA10557519.